The following is an entry in ClinVar:

ClinVar aggregate classification (germline): Uncertain significance (1 of 4 stars; one submission).

Conditions:
Charcot-Marie-Tooth disease axonal type 2V. Also called: CHARCOT-MARIE-TOOTH NEUROPATHY, TYPE 2V; CHARCOT-MARIE-TOOTH DISEASE, AXONAL, AUTOSOMAL DOMINANT, TYPE 2V. Identifiers: Orphanet 447964, MedGen C5569050, MONDO:0014665, OMIM 616491.
Mucopolysaccharidosis, MPS-III-B (MPS3B). Also called: MPS IIIB (Sanfilippo Syndrome Type B); N-ACETYL-ALPHA-D-GLUCOSAMINIDASE DEFICIENCY; NAGLU DEFICIENCY; MUCOPOLYSACCHARIDOSIS, TYPE IIIB; Mucopolysaccharidosis type IIIB (Sanfilippo B); SANFILIPPO SYNDROME B. Identifiers: Orphanet 79270, MedGen C0086648, MONDO:0009656, OMIM 252920.

Allele frequency attached by ClinVar (database versions not stated): gnomAD exomes 0.00002 and 0.00006; ExAC 0.00008; 1000 Genomes Project 0.00040; 1000 Genomes Project 30x 0.00031; gnomAD 0.00001.
gnomAD v4.1: 31 of 1,614,222 alleles (0.0019%); highest among the groups gnomAD compares: South Asian, 0.032%; no homozygotes.

Submission:

Labcorp Genetics (formerly Invitae), Labcorp
Classification: Uncertain significance for Charcot-Marie-Tooth disease axonal type 2V; Mucopolysaccharidosis, MPS-III-B. Last evaluated: 2022-03-18. Review status: criteria provided, single submitter. Criteria: Invitae Variant Classification Sherloc (09022015). Collection method: clinical testing. Allele origin: germline.
Comment: This sequence change replaces glutamine, which is neutral and polar, with lysine, which is basic and polar, at codon 398 of the NAGLU protein (p.Gln398Lys). This variant is present in population databases (rs553293896, gnomAD 0.05%). This variant has not been reported in the literature in individuals affected with NAGLU-related conditions. Advanced modeling of protein sequence and biophysical properties (such as structural, functional, and spatial information, amino acid conservation, physicochemical variation, residue mobility, and thermodynamic stability) performed at Invitae indicates that this missense variant is not expected to disrupt NAGLU protein function. Algorithms developed to predict the effect of sequence changes on RNA splicing suggest that this variant may disrupt the consensus splice site. In summary, the available evidence is currently insufficient to determine the role of this variant in disease. Therefore, it has been classified as a Variant of Uncertain Significance.

NM_000263.4(NAGLU):c.1192C>A (p.Gln398Lys)

Gene: NAGLU (N-acetyl-alpha-glucosaminidase; plus strand). Cytogenetic location: 17q21.2.
Variant type: single nucleotide variant.
Coding change: c.1192C>A on transcript NM_000263.4 (MANE Select); coding-DNA position 1192, C replaced by A.
Protein change: p.Gln398Lys; replaces glutamine 398 with lysine.
Molecular consequence: missense variant.
Genome position (GRCh38, 1-based): chr17:42,543,198, C>A. VCF-style: chr17-42543198-C-A. GRCh37 (hg19) VCF-style: chr17-40695216-C-A.
Other names: short protein forms Q398K.
Identifiers: ClinVar variation 1349605 (VCV001349605.3), dbSNP rs553293896, ClinGen allele CA8576975.